The following is an entry in ClinVar:

ClinVar aggregate classification (germline): Uncertain significance (1 of 4 stars; one submission).

Allele frequency attached by ClinVar (database versions not stated): gnomAD exomes below 0.00001; ExAC 0.00001.
gnomAD v4.1: 1 of 1,614,012 alleles (0.000062%); highest among the groups gnomAD compares: South Asian, 0.0011%; no homozygotes.

Submission:

Labcorp Genetics (formerly Invitae), Labcorp
Classification: Uncertain significance. Last evaluated: 2022-04-06. Review status: criteria provided, single submitter. Criteria: Invitae Variant Classification Sherloc (09022015). Collection method: clinical testing. Allele origin: germline.
Comment: This variant is present in population databases (rs755638917, gnomAD 0.003%). In summary, the available evidence is currently insufficient to determine the role of this variant in disease. Therefore, it has been classified as a Variant of Uncertain Significance. Algorithms developed to predict the effect of missense changes on protein structure and function are either unavailable or do not agree on the potential impact of this missense change (SIFT: "Deleterious"; PolyPhen-2: "Probably Damaging"; Align-GVGD: "Class C0"). This variant has not been reported in the literature in individuals affected with COL7A1-related conditions. This sequence change replaces lysine, which is basic and polar, with asparagine, which is neutral and polar, at codon 2694 of the COL7A1 protein (p.Lys2694Asn).

NM_000094.4(COL7A1):c.8082G>C (p.Lys2694Asn)

Gene: COL7A1 (collagen type VII alpha 1 chain; minus strand). Cytogenetic location: 3p21.31.
Variant type: single nucleotide variant.
Coding change: c.8082G>C on transcript NM_000094.4 (MANE Select); coding-DNA position 8082, G replaced by C.
Protein change: p.Lys2694Asn; replaces lysine 2694 with asparagine.
Molecular consequence: missense variant.
Genome position (GRCh38, 1-based): chr3:48,567,155, C>G on the plus strand (G>C on the coding strand, the complement: COL7A1 is on the minus strand). VCF-style: chr3-48567155-C-G. GRCh37 (hg19) VCF-style: chr3-48604588-C-G.
Other names: short protein forms K2694N.
Identifiers: ClinVar variation 2122099 (VCV002122099.4), dbSNP rs755638917, ClinGen allele CA2378171.